The following is an entry in ClinVar:

ClinVar aggregate classification (germline): Uncertain significance. Review status: criteria provided, multiple submitters, no conflicts (2 of 4 stars). 2 submissions from 2 submitters: Uncertain significance (2). Last evaluated 2022-09-08.

Conditions:
Inborn genetic diseases. Identifiers: MedGen C0950123, MeSH D030342.

Allele frequency attached by ClinVar (database versions not stated): gnomAD exomes 0.00001; ExAC 0.00002; gnomAD 0.00002; TOPMed 0.00002; ESP Exome Variant Server 0.00008.
gnomAD v4.1: 6 of 1,614,036 alleles (0.00037%); highest among the groups gnomAD compares: African/African-American, 0.008%; no homozygotes.

Submissions (2):

Ambry Genetics
Classification: Uncertain significance for Inborn genetic diseases. Last evaluated: 2022-09-08. Review status: criteria provided, single submitter. Criteria: Ambry Variant Classification Scheme 2023. Collection method: clinical testing. Allele origin: germline.

GeneDx
Classification: Uncertain significance. Last evaluated: 2020-07-06. Review status: criteria provided, single submitter. Criteria: GeneDx Variant Classification Process June 2021. Collection method: clinical testing. Allele origin: germline. Affected: yes.
Comment: In silico analysis supports that this missense variant has a deleterious effect on protein structure/function; Has not been previously published as pathogenic or benign to our knowledge; This variant is associated with the following publications: (PMID: 28402605)

Literature cited by the submitters: PubMed 28402605 (cited by Ambry Genetics).

NM_025243.4(SLC19A3):c.217C>T (p.Leu73Phe)

Gene: SLC19A3 (solute carrier family 19 member 3; minus strand). Cytogenetic location: 2q36.3.
Variant type: single nucleotide variant.
Coding change: c.217C>T on transcript NM_025243.4 (MANE Select); coding-DNA position 217, C replaced by T.
Protein change: p.Leu73Phe; replaces leucine 73 with phenylalanine.
Molecular consequence: missense variant.
Genome position (GRCh38, 1-based): chr2:227,699,498, G>A on the plus strand (C>T on the coding strand, the complement: SLC19A3 is on the minus strand). VCF-style: chr2-227699498-G-A. GRCh37 (hg19) VCF-style: chr2-228564214-G-A.
Other names: c.217C>T, p.Leu73Phe (NM_001371411.1, NM_001371412.1); c.205C>T, p.Leu69Phe (NM_001371413.1, NM_001371414.1); short protein forms L69F, L73F.
Identifiers: ClinVar variation 1312988 (VCV001312988.4), dbSNP rs373943165, ClinGen allele CA2149351.
Genomic context (GRCh38, chr2:227,699,498, plus strand): 5'-TAATGATGAAACTGATACCTTGCAAGATGATGACTGGCTTGTAGCGGACATAATCGGTGA[G>A]GACAAACACAGGCAGCAGCAGCACCAGGTAGGAGTATGTCCAAACGGGGAAGATCTCATT-3'
Protein context (NP_079519.1, residues 63-83): YLVLLLPVFV[Leu73Phe]TDYVRYKPVI